The following is an entry in ClinVar:

NM_205861.3(DHDDS):c.100del (p.Asp34fs)

Gene: DHDDS (dehydrodolichyl diphosphate synthase subunit; plus strand). Cytogenetic location: 1p36.11.
Variant type: Deletion.
Coding change: c.100del on transcript NM_205861.3 (MANE Select); coding-DNA position 100, one base deleted (G; older notation c.100delG).
Protein change: p.Asp34fs; shifts the reading frame from aspartic acid 34.
Molecular consequence: frameshift variant. On other transcripts: 5 prime UTR variant (1).
Genome position (GRCh38, 1-based): chr1:26,438,204, G deleted; the last of 2 consecutive G bases (chr1:26,438,203-26,438,204); deleting either gives the same sequence. VCF-style (leftmost placement, unchanged base first): chr1-26438202-TG-T. GRCh37 (hg19) VCF-style: chr1-26764693-TG-T.
Other names: c.100del, p.Asp34fs (NM_001243564.2, NM_001243565.2, NM_024887.4); c.-203del (NM_001319959.2); short protein forms D34fs.
Identifiers: ClinVar variation 2021747 (VCV002021747.4), dbSNP rs2075181080, ClinGen allele CA999828225.

ClinVar aggregate classification (germline): Pathogenic (1 of 4 stars; one submission).

Conditions:
Retinitis pigmentosa 59 (RP59). Identifiers: Orphanet 791, MedGen C3151227, MONDO:0013468, OMIM 613861.

Submission:

Labcorp Genetics (formerly Invitae), Labcorp
Classification: Pathogenic for Retinitis pigmentosa 59. Last evaluated: 2022-11-02. Review status: criteria provided, single submitter. Criteria: Invitae Variant Classification Sherloc (09022015). Collection method: clinical testing. Allele origin: germline.
Comment: This variant is not present in population databases (gnomAD no frequency). This sequence change creates a premature translational stop signal (p.Asp34Thrfs*25) in the DHDDS gene. It is expected to result in an absent or disrupted protein product. Loss-of-function variants in DHDDS are known to be pathogenic (PMID: 24664742). This variant has not been reported in the literature in individuals affected with DHDDS-related conditions. For these reasons, this variant has been classified as Pathogenic.

Literature cited by the submitters: PubMed 24664742.